The following is an entry in ClinVar:

ClinVar aggregate classification (germline): Likely benign. Review status: criteria provided, single submitter (1 of 4 stars). 2 submissions from 2 submitters: Likely benign (1). 1 of the submissions does not count toward it. Last evaluated 2024-08-01.

Conditions:
DCAF8-related disorder. Also called: DCAF8-related condition.

Allele frequency attached by ClinVar (database versions not stated): gnomAD 0.00003; ExAC 0.00006; TOPMed 0.00006; 1000 Genomes Project 30x 0.00016; 1000 Genomes Project 0.00020.
gnomAD v4.1: 72 of 1,614,258 alleles (0.0045%); highest among the groups gnomAD compares: Admixed American, 0.015%; no homozygotes.

Submissions (2):

Blueprint Genetics
Classification: Likely benign. Last evaluated: 2024-08-01. Review status: criteria provided, single submitter. Criteria: ACMG Guidelines, 2015. Collection method: clinical testing. Allele origin: germline.

PreventionGenetics, part of Exact Sciences
Classification: Likely benign for DCAF8-related condition. Last evaluated: 2019-07-15. Review status: no assertion criteria provided. Collection method: clinical testing. Allele origin: germline. Not counted in ClinVar's aggregate classification.
Comment: This variant is classified as likely benign based on ACMG/AMP sequence variant interpretation guidelines (Richards et al. 2015 PMID: 25741868, with internal and published modifications).

NM_015726.4(DCAF8):c.540G>T (p.Val180=)

Gene: DCAF8 (DDB1 and CUL4 associated factor 8; minus strand). Cytogenetic location: 1q23.2.
Variant type: single nucleotide variant.
Coding change: c.540G>T on transcript NM_015726.4 (MANE Select); coding-DNA position 540, G replaced by T.
Protein change: p.Val180=; no amino-acid change (valine 180 retained).
Molecular consequence: synonymous variant. On other transcripts: non-coding transcript variant (4).
Genome position (GRCh38, 1-based): chr1:160,239,880, C>A on the plus strand (G>T on the coding strand, the complement: DCAF8 is on the minus strand). VCF-style: chr1-160239880-C-A. GRCh37 (hg19) VCF-style: chr1-160209670-C-A.
Identifiers: ClinVar variation 3049845 (VCV003049845.3), dbSNP rs201747259, ClinGen allele CA1196942.